The following is an entry in ClinVar:

ClinVar aggregate classification (germline): Pathogenic/Likely pathogenic. Review status: criteria provided, multiple submitters, no conflicts (2 of 4 stars). 3 submissions from 3 submitters: Pathogenic (1); Likely pathogenic (2). Last evaluated 2026-08-25.

Conditions:
Neurodegeneration with brain iron accumulation 6 (NBIA6). Also called: COASY protein-associated neurodegeneration. Identifiers: Orphanet 397725, MedGen C4517377, MONDO:0014290, OMIM 615643.
Pontocerebellar hypoplasia, type 12. Identifiers: Orphanet 611256, MedGen C4748873, MONDO:0032643, OMIM 618266.

Allele frequency attached by ClinVar (database versions not stated): gnomAD 0.00002; TOPMed 0.00002.
gnomAD v4.1: 37 of 1,545,776 alleles (0.0024%); highest among the groups gnomAD compares: Non-Finnish European, 0.003%; no homozygotes.

Submissions (3):

GeneDx
Classification: Likely pathogenic. Last evaluated: 2026-08-25. Review status: criteria provided, single submitter. Criteria: GeneDx Variant Classification Process June 2021. Collection method: clinical testing. Allele origin: germline.
Comment: Nonsense variant predicted to result in protein truncation or nonsense mediated decay in a gene for which loss of function is a known mechanism of disease; Has not been previously published as pathogenic or benign to our knowledge; Not observed at significant frequency in large population cohorts (gnomAD)

Fulgent Genetics
Classification: Likely pathogenic for Neurodegeneration with brain iron accumulation 6; Pontocerebellar hypoplasia, type 12. Last evaluated: 2024-05-10. Review status: criteria provided, single submitter. Criteria: ACMG Guidelines, 2015. Collection method: clinical testing. Allele origin: germline.

Labcorp Genetics (formerly Invitae), Labcorp
Classification: Pathogenic for Neurodegeneration with brain iron accumulation 6. Last evaluated: 2022-04-07. Review status: criteria provided, single submitter. Criteria: Invitae Variant Classification Sherloc (09022015). Collection method: clinical testing. Allele origin: germline.
Comment: For these reasons, this variant has been classified as Pathogenic. Algorithms developed to predict the effect of sequence changes on RNA splicing suggest that this variant may create or strengthen a splice site. This variant has not been reported in the literature in individuals affected with COASY-related conditions. This variant is not present in population databases (gnomAD no frequency). This sequence change creates a premature translational stop signal (p.Arg377*) in the COASY gene. It is expected to result in an absent or disrupted protein product. Loss-of-function variants in COASY are known to be pathogenic (PMID: 24360804, 30089828).

Literature cited by the submitters: PubMed 24360804 (cited by Labcorp Genetics (formerly Invitae), Labcorp); PubMed 30089828 (cited by Labcorp Genetics (formerly Invitae), Labcorp).

NM_025233.7(COASY):c.1129C>T (p.Arg377Ter)

Gene: COASY (Coenzyme A synthase; plus strand). Cytogenetic location: 17q21.2.
Variant type: single nucleotide variant.
Coding change: c.1129C>T on transcript NM_025233.7 (MANE Select); coding-DNA position 1129, C replaced by T.
Protein change: p.Arg377Ter; replaces arginine 377 with a stop codon.
Molecular consequence: nonsense.
Genome position (GRCh38, 1-based): chr17:42,564,790, C>T. VCF-style: chr17-42564790-C-T. GRCh37 (hg19) VCF-style: chr17-40716808-C-T.
Other names: c.1129C>T, p.Arg377Ter (NM_001042529.3); c.1216C>T, p.Arg406Ter (NM_001042532.4); c.1129C>T (NM_025233.6); short protein forms R406*, R377*.
Identifiers: ClinVar variation 2043445 (VCV002043445.7), dbSNP rs566973741, ClinGen allele CA290772063.